The following is an entry in ClinVar:

NM_032119.4(ADGRV1):c.12667-147G>T

Gene: ADGRV1 (adhesion G protein-coupled receptor V1; plus strand). Cytogenetic location: 5q14.3.
Variant type: single nucleotide variant.
Coding change: c.12667-147G>T on transcript NM_032119.4 (MANE Select); 147 bases into the intron before coding-DNA position 12667, G replaced by T.
Molecular consequence: intron variant.
Genome position (GRCh38, 1-based): chr5:90,778,280, G>T. VCF-style: chr5-90778280-G-T. GRCh37 (hg19) VCF-style: chr5-90074097-G-T.
Identifiers: ClinVar variation 678834 (VCV000678834.1), dbSNP rs3107223, ClinGen allele CA11936560.
Genomic context (GRCh38, chr5:90,778,280, plus strand): 5'-GGTGTGTGTGTGTACGGTTGACAATGGAGATTGGGGAGAAGGTTAATGTAACAGCATTTG[G>T]TATTGTGGAGGTGCCTGTGTATGGGATTAAGAGTGGGAATGAGGAGGAGATTAATATTAC-3'

ClinVar aggregate classification (germline): Benign (1 of 4 stars; one submission).

Allele frequency attached by ClinVar (database versions not stated): gnomAD exomes 0.10077; gnomAD 0.23209 and 0.23764; TOPMed 0.25188; 1000 Genomes Project 0.30112; 1000 Genomes Project 30x 0.30465.
gnomAD v4.1: 96,728 of 755,360 alleles (13%); highest among the groups gnomAD compares: African/African-American, 60%; 14,761 homozygotes.

Submission:

GeneDx
Classification: Benign. Last evaluated: 2018-06-14. Review status: criteria provided, single submitter. Criteria: GeneDx Variant Classification (06012015). Collection method: clinical testing. Allele origin: germline. Affected: yes.
Comment: This variant is considered likely benign or benign based on one or more of the following criteria: it is a conservative change, it occurs at a poorly conserved position in the protein, it is predicted to be benign by multiple in silico algorithms, and/or has population frequency not consistent with disease.